The following is an entry in ClinVar:

NR_023343.3(RNU4ATAC):n.109_115dup

Genes: CLASP1-AS1 (CLASP1 antisense RNA 1; plus strand), RNU4ATAC (RNA, U4atac small nuclear; plus strand), CLASP1 (cytoplasmic linker associated protein 1; minus strand). Cytogenetic location: 2q14.2.
Variant type: Duplication.
Molecular consequence: intron variant (on NM_001395891.1).
Genome position: GRCh38 VCF-style: chr2-121530987-T-TTTGGTGC. GRCh37 (hg19) VCF-style: chr2-122288563-T-TTTGGTGC.
Other names: c.196-669_196-663dup (NM_001142274.2, NM_015282.3, NM_001378003.1 and 5 more transcripts).
Identifiers: ClinVar variation 2024741 (VCV002024741.1), dbSNP rs1293420087, ClinGen allele CA536071240.

ClinVar aggregate classification (germline): Uncertain significance (1 of 4 stars; one submission).

Allele frequency attached by ClinVar (database versions not stated): gnomAD 0.00001.

Submission:

Labcorp Genetics (formerly Invitae), Labcorp
Classification: Uncertain significance. Last evaluated: 2022-08-19. Review status: criteria provided, single submitter. Criteria: Invitae Variant Classification Sherloc (09022015). Collection method: clinical testing. Allele origin: germline.
Comment: This variant occurs in the RNU4ATAC gene, which encodes an RNA molecule that does not result in a protein product. This variant is present in population databases (no rsID available, gnomAD 0.01%). This variant has not been reported in the literature in individuals affected with RNU4ATAC-related conditions. Experimental studies and prediction algorithms are not available or were not evaluated, and the functional significance of this variant is currently unknown. In summary, the available evidence is currently insufficient to determine the role of this variant in disease. Therefore, it has been classified as a Variant of Uncertain Significance.